The following is an entry in ClinVar:

NM_017654.4(SAMD9):c.1978T>G (p.Cys660Gly)

Gene: SAMD9 (sterile alpha motif domain containing 9; minus strand). Cytogenetic location: 7q21.2.
Variant type: single nucleotide variant.
Coding change: c.1978T>G on transcript NM_017654.4 (MANE Select); coding-DNA position 1978, T replaced by G.
Protein change: p.Cys660Gly; replaces cysteine 660 with glycine.
Molecular consequence: missense variant.
Genome position (GRCh38, 1-based): chr7:93,104,120, A>C on the plus strand (T>G on the coding strand, the complement: SAMD9 is on the minus strand). VCF-style: chr7-93104120-A-C. GRCh37 (hg19) VCF-style: chr7-92733433-A-C.
Other names: c.1978T>G, p.Cys660Gly (NM_001193307.2); short protein forms C660G.
Identifiers: ClinVar variation 3949547 (VCV003949547.1).

ClinVar aggregate classification (germline): Uncertain significance (1 of 4 stars; one submission).

Conditions:
Inborn genetic diseases. Identifiers: MedGen C0950123, MeSH D030342.

Submission:

Ambry Genetics
Classification: Uncertain significance for Inborn genetic diseases. Last evaluated: 2025-04-13. Review status: criteria provided, single submitter. Criteria: Ambry Variant Classification Scheme 2023. Collection method: clinical testing. Allele origin: germline.
Comment: The p.C660G variant (also known as c.1978T>G), located in coding exon 1 of the SAMD9 gene, results from a T to G substitution at nucleotide position 1978. The cysteine at codon 660 is replaced by glycine, an amino acid with highly dissimilar properties. This amino acid position is conserved. In addition, the in silico prediction for this alteration is inconclusive. Based on the available evidence, the clinical significance of this variant remains unclear.